The following is an entry in ClinVar:

ClinVar aggregate classification (germline): Benign/Likely benign. Review status: criteria provided, multiple submitters, no conflicts (2 of 4 stars). 5 submissions from 5 submitters: Benign (1); Likely benign (4). Last evaluated 2025-08-13.

Conditions:
Chuvash polycythemia. Also called: POLYCYTHEMIA, VHL-DEPENDENT. Identifiers: Orphanet 238557, MedGen C1837915, MONDO:0009892, OMIM 263400.
Von Hippel-Lindau syndrome (VHLS). Also called: Von Hippel-Lindau; von Hippel–Lindau syndrome; VHL syndrome. Identifiers: Orphanet 892, MedGen C0019562, MONDO:0008667, OMIM 193300. Disease mechanism: loss of function.
Hereditary cancer-predisposing syndrome. Also called: Hereditary Cancer Syndrome; Tumor predisposition; Neoplastic Syndromes, Hereditary; Hereditary neoplastic syndrome. Identifiers: Orphanet 140162, MedGen C0027672, MeSH D009386, MONDO:0015356.

Submissions (5):

Labcorp Genetics (formerly Invitae), Labcorp
Classification: Likely benign for Von Hippel-Lindau syndrome; Chuvash polycythemia. Last evaluated: 2025-08-13. Review status: criteria provided, single submitter. Criteria: Invitae Variant Classification Sherloc (09022015). Collection method: clinical testing. Allele origin: germline.

Myriad Genetics, Inc.
Classification: Benign for Von Hippel-Lindau syndrome. Last evaluated: 2025-06-10. Review status: criteria provided, single submitter. Criteria: Myriad Autosomal Dominant, Autosomal Recessive and X-Linked Classification Criteria (2023). Collection method: clinical testing. Allele origin: unknown.
Comment: This variant is considered benign. This variant is a silent/synonymous amino acid change and it is not expected to impact splicing.

All of Us Research Program, National Institutes of Health
Classification: Likely benign for Von Hippel-Lindau syndrome. Last evaluated: 2023-05-16. Review status: criteria provided, single submitter. Criteria: ACMG Guidelines, 2015. Collection method: clinical testing. Allele origin: germline. Inheritance: Autosomal dominant inheritance. Observed: 1 variant allele, 1 heterozygote.
Comment: This study involves interpretation of variants in research participants for the purpose of population health screening. Participant phenotype was not available at the time of variant classification. Additional details can be found in publication PMID: 35346344, PMCID: PMC8962531

Ambry Genetics
Classification: Likely benign for Hereditary cancer-predisposing syndrome. Last evaluated: 2019-10-13. Review status: criteria provided, single submitter. Criteria: Ambry Variant Classification Scheme 2023. Collection method: clinical testing. Allele origin: germline.

GeneDx
Classification: Likely benign. Last evaluated: 2017-12-07. Review status: criteria provided, single submitter. Criteria: GeneDx Variant Classification (06012015). Collection method: clinical testing. Allele origin: germline. Affected: yes.
Comment: This variant is considered likely benign or benign based on one or more of the following criteria: it is a conservative change, it occurs at a poorly conserved position in the protein, it is predicted to be benign by multiple in silico algorithms, and/or has population frequency not consistent with disease.

NM_000551.4(VHL):c.21C>T (p.Asn7=)

Gene: VHL (von Hippel-Lindau tumor suppressor; plus strand). Cytogenetic location: 3p25.3.
Variant type: single nucleotide variant.
Coding change: c.21C>T on transcript NM_000551.4 (MANE Select); coding-DNA position 21, C replaced by T.
Protein change: p.Asn7=; no amino-acid change (asparagine 7 retained).
Molecular consequence: synonymous variant.
Genome position (GRCh38, 1-based): chr3:10,141,868, C>T. VCF-style: chr3-10141868-C-T. GRCh37 (hg19) VCF-style: chr3-10183552-C-T.
Other names: c.21C>T, p.Asn7= (NM_001354723.2, NM_198156.3).
Identifiers: ClinVar variation 514042 (VCV000514042.16), dbSNP rs1060503561, ClinGen allele CA432536148.